The following is an entry in ClinVar:

ClinVar aggregate classification (germline): Uncertain significance (1 of 4 stars; one submission).

Submission:

Labcorp Genetics (formerly Invitae), Labcorp
Classification: Uncertain significance. Last evaluated: 2024-01-08. Review status: criteria provided, single submitter. Criteria: Invitae Variant Classification Sherloc (09022015). Collection method: clinical testing. Allele origin: germline.
Comment: This sequence change replaces glutamine, which is neutral and polar, with proline, which is neutral and non-polar, at codon 326 of the SAMD11 protein (p.Gln326Pro). This variant is not present in population databases (gnomAD no frequency). This variant has not been reported in the literature in individuals affected with SAMD11-related conditions. ClinVar contains an entry for this variant (Variation ID: 1928719). An algorithm developed to predict the effect of missense changes on protein structure and function (PolyPhen-2) suggests that this variant is likely to be tolerated. In summary, the available evidence is currently insufficient to determine the role of this variant in disease. Therefore, it has been classified as a Variant of Uncertain Significance.

NM_001385641.1(SAMD11):c.1466A>C (p.Gln489Pro)

Gene: SAMD11 (sterile alpha motif domain containing 11; plus strand). Cytogenetic location: 1p36.33.
Variant type: single nucleotide variant.
Coding change: c.1466A>C on transcript NM_001385641.1 (MANE Select); coding-DNA position 1466, A replaced by C.
Protein change: p.Gln489Pro; replaces glutamine 489 with proline.
Molecular consequence: missense variant.
Genome position (GRCh38, 1-based): chr1:942,243, A>C. VCF-style: chr1-942243-A-C. GRCh37 (hg19) VCF-style: chr1-877623-A-C.
Other names: c.1469A>C, p.Gln490Pro (NM_001385640.1); c.977A>C, p.Gln326Pro (NM_152486.4); short protein forms Q489P, Q326P, Q490P.
Identifiers: ClinVar variation 1928719 (VCV001928719.5), dbSNP rs2522707746, ClinGen allele CA337807008.